The following is an entry in ClinVar:

NM_003560.4(PLA2G6):c.1536dup (p.Asp513Ter)

Gene: PLA2G6 (phospholipase A2 group VI; minus strand). Cytogenetic location: 22q13.1.
Variant type: Duplication.
Coding change: c.1536dup on transcript NM_003560.4 (MANE Select); coding-DNA position 1536, one base duplicated (T; older notation c.1536dupT).
Protein change: p.Asp513Ter; replaces aspartic acid 513 with a stop codon.
Molecular consequence: nonsense.
Genome position (GRCh38, 1-based): chr22:38,123,150, A duplicated on the plus strand (T on the coding strand, the reverse complement: PLA2G6 is on the minus strand); the first of 3 consecutive A bases (chr22:38,123,150-38,123,152); duplicating any one gives the same sequence. VCF-style (leftmost placement, unchanged base first): chr22-38123149-C-CA. GRCh37 (hg19) VCF-style: chr22-38519156-C-CA.
Other names: c.1374dup, p.Asp459Ter (NM_001004426.3, NM_001199562.3, NM_001349865.2 and 1 more transcripts); c.1536dup, p.Asp513Ter (NM_001349864.2); c.1002dup, p.Asp335Ter (NM_001349867.2); c.858dup, p.Asp287Ter (NM_001349868.2); c.840dup, p.Asp281Ter (NM_001349869.2); short protein forms D281*, D287*, D335*, D459*, D513*.
Identifiers: ClinVar variation 3382608 (VCV003382608.2).

ClinVar aggregate classification (germline): Pathogenic (1 of 4 stars; one submission).

Conditions:
Autosomal recessive Parkinson disease 14. Also called: PARKINSON DISEASE 14; DYSTONIA-PARKINSONISM, ADULT-ONSET. Identifiers: Orphanet 199351, MedGen C2751842, MONDO:0013060, OMIM 612953.
Infantile neuroaxonal dystrophy (NBIA2A). Also called: NEURODEGENERATION WITH BRAIN IRON ACCUMULATION 2A; SEITELBERGER DISEASE; Infantile neuroaxonal dystrophy 1. Identifiers: Orphanet 35069, MedGen C0270724, MONDO:0024457, OMIM 256600.
Neurodegeneration with brain iron accumulation 2B. Also called: NEUROAXONAL DYSTROPHY, ATYPICAL; NEURODEGENERATION WITH BRAIN IRON ACCUMULATION, PLA2G6-RELATED; aNAD; atypical Neuroaxonal Dystrophy (aNAD). Identifiers: Orphanet 35069, MedGen C1857747, MONDO:0012444, OMIM 610217.

Submission:

Juno Genomics, Hangzhou Juno Genomics, Inc
Classification: Pathogenic for Infantile neuroaxonal dystrophy; Neurodegeneration with brain iron accumulation 2B; Autosomal recessive Parkinson disease 14. Review status: criteria provided, single submitter. Criteria: ACMG Guidelines, 2015. Collection method: clinical testing. Allele origin: germline. Affected: yes.
Comment: Absent from controls (or at extremely low frequency if recessive) in Genome Aggregation Database, Exome Sequencing Project, 1000 Genomes Project, or Exome Aggregation Consortium.;Null variant in a gene where loss of function (LOF) is a known mechanism of disease.;Patient's phenotype or family history is highly specific for a disease with a single genetic etiology.;For recessive disorders, detected in trans with a pathogenic variant.